The following is an entry in ClinVar:

NM_152703.5(SAMD9L):c.3712A>G (p.Ile1238Val)

Gene: SAMD9L (sterile alpha motif domain containing 9 like; minus strand). Cytogenetic location: 7q21.2.
Variant type: single nucleotide variant.
Coding change: c.3712A>G on transcript NM_152703.5 (MANE Select); coding-DNA position 3712, A replaced by G.
Protein change: p.Ile1238Val; replaces isoleucine 1238 with valine.
Molecular consequence: missense variant.
Genome position (GRCh38, 1-based): chr7:93,132,260, T>C on the plus strand (A>G on the coding strand, the complement: SAMD9L is on the minus strand). VCF-style: chr7-93132260-T-C. GRCh37 (hg19) VCF-style: chr7-92761573-T-C.
Other names: c.3712A>G, p.Ile1238Val (NM_001303496.3, NM_001303497.3, NM_001303498.3 and 5 more transcripts); short protein forms I1238V.
Identifiers: ClinVar variation 4159429 (VCV004159429.1).
Genomic context (GRCh38, chr7:93,132,260, plus strand): 5'-TTAGGTGGGATGTGAACTTGCTAAGAGCCAAATAACATTCATTTCTGGGATCAGGAGGAA[T>C]GGTCCACTTTCCTGATAAAAATTGCACCATATGTTTTTTGGATAATTCATTTTCTTTGTG-3'
Protein context (NP_689916.2, residues 1228-1248): MVQFLSGKWT[Ile1238Val]PPDPRNECYL

ClinVar aggregate classification (germline): Uncertain significance (1 of 4 stars; one submission).

Conditions:
Inborn genetic diseases. Identifiers: MedGen C0950123, MeSH D030342.

Submission:

Ambry Genetics
Classification: Uncertain significance for Inborn genetic diseases. Last evaluated: 2025-08-22. Review status: criteria provided, single submitter. Criteria: Ambry Variant Classification Scheme 2023. Collection method: clinical testing. Allele origin: germline.
Comment: The p.I1238V variant (also known as c.3712A>G), located in coding exon 1 of the SAMD9L gene, results from an A to G substitution at nucleotide position 3712. The isoleucine at codon 1238 is replaced by valine, an amino acid with highly similar properties. This amino acid position is conserved. In addition, this alteration is predicted to be tolerated by in silico analysis. Based on the available evidence, the clinical significance of this variant remains unclear.